The following is an entry in ClinVar:

NM_004484.4(GPC3):c.1661A>G (p.Asn554Ser)

Gene: GPC3 (glypican 3; minus strand). Cytogenetic location: Xq26.2.
Variant type: single nucleotide variant.
Coding change: c.1661A>G on transcript NM_004484.4 (MANE Select); coding-DNA position 1661, A replaced by G.
Protein change: p.Asn554Ser; replaces asparagine 554 with serine.
Molecular consequence: missense variant.
Genome position (GRCh38, 1-based): chrX:133,536,206, T>C on the plus strand (A>G on the coding strand, the complement: GPC3 is on the minus strand). VCF-style: chrX-133536206-T-C. GRCh37 (hg19) VCF-style: chrX-132670234-T-C.
Other names: c.1730A>G, p.Asn577Ser (NM_001164617.2); c.1613A>G, p.Asn538Ser (NM_001164618.2); c.1499A>G, p.Asn500Ser (NM_001164619.2); short protein forms N500S, N554S, N577S, N538S.
Identifiers: ClinVar variation 860345 (VCV000860345.10), dbSNP rs2069288846, ClinGen allele CA414702645.
Genomic context (GRCh38, chrX:133,536,206, plus strand): 5'-CACACCACCGAGATGGCCATGCTGGTGAGAAGCTTCAGCGGGGAATGAACGTTCCCGAGG[T>C]TGTGAAAGGTGCTTATCTCGTTGTCCTTCGGAGTTGCCTGCTGACTGTTTCCAGGCGCAT-3'
Protein context (NP_004475.1, residues 544-564): PKDNEISTFH[Asn554Ser]LGNVHSPLKL

ClinVar aggregate classification (germline): Uncertain significance (1 of 4 stars; one submission).

Conditions:
Wilms tumor 1 (WT1). Also called: Wilms tumor, somatic. Identifiers: Orphanet 654, MedGen CN033288, MONDO:0008679, OMIM 194070.

Submission:

Labcorp Genetics (formerly Invitae), Labcorp
Classification: Uncertain significance for Wilms tumor 1. Last evaluated: 2025-04-14. Review status: criteria provided, single submitter. Criteria: Invitae Variant Classification Sherloc (09022015). Collection method: clinical testing. Allele origin: germline.
Comment: This sequence change replaces asparagine, which is neutral and polar, with serine, which is neutral and polar, at codon 554 of the GPC3 protein (p.Asn554Ser). This variant is not present in population databases (gnomAD no frequency). This variant has not been reported in the literature in individuals affected with GPC3-related conditions. ClinVar contains an entry for this variant (Variation ID: 860345). An algorithm developed to predict the effect of missense changes on protein structure and function outputs the following: PolyPhen-2: "Benign". The serine amino acid residue is found in multiple mammalian species, which suggests that this missense change does not adversely affect protein function. In summary, the available evidence is currently insufficient to determine the role of this variant in disease. Therefore, it has been classified as a Variant of Uncertain Significance.